The following is an entry in ClinVar:

ClinVar aggregate classification (germline): Uncertain significance (1 of 4 stars; one submission).

Submission:

Labcorp Genetics (formerly Invitae), Labcorp
Classification: Uncertain significance. Last evaluated: 2022-06-15. Review status: criteria provided, single submitter. Criteria: Invitae Variant Classification Sherloc (09022015). Collection method: clinical testing. Allele origin: germline.
Comment: This variant is not present in population databases (gnomAD no frequency). This sequence change falls in intron 15 of the ABCA4 gene. It does not directly change the encoded amino acid sequence of the ABCA4 protein. This variant has not been reported in the literature in individuals affected with ABCA4-related conditions. Algorithms developed to predict the effect of sequence changes on RNA splicing suggest that this variant may create or strengthen a splice site. In summary, the available evidence is currently insufficient to determine the role of this variant in disease. Therefore, it has been classified as a Variant of Uncertain Significance.

NM_000350.3(ABCA4):c.2383-6C>G

Gene: ABCA4 (ATP binding cassette subfamily A member 4; minus strand). Cytogenetic location: 1p22.1.
Variant type: single nucleotide variant.
Coding change: c.2383-6C>G on transcript NM_000350.3 (MANE Select); 6 bases into the intron before coding-DNA position 2383, C replaced by G.
Molecular consequence: intron variant.
Genome position (GRCh38, 1-based): chr1:94,055,321, G>C on the plus strand (C>G on the coding strand, the complement: ABCA4 is on the minus strand). VCF-style: chr1-94055321-G-C. GRCh37 (hg19) VCF-style: chr1-94520877-G-C.
Identifiers: ClinVar variation 2003859 (VCV002003859.4), dbSNP rs1418509277, ClinGen allele CA2580063332.
Genomic context (GRCh38, chr1:94,055,321, plus strand): 5'-CAAAGCGAACCAGGTACTCAGTGCCAAATCCAAATGCCACCGGAGACAGTAAGCTCTGCA[G>C]TGAGGCGGAGAGGGCACAGAAAAAGAGCAGTGCCTTTTATCCAATGCAACAGCACCCAGA-3'